The following is an entry in ClinVar:

ClinVar aggregate classification (germline): Uncertain significance (1 of 4 stars; one submission).

Conditions:
Spondylocostal dysostosis 3, autosomal recessive (SCDO3). Also called: LFNG-Related Spondylocostal Dysostosis, Autosomal Recessive. Identifiers: Orphanet 2311, MedGen C1853296, MONDO:0012349, OMIM 609813.

Allele frequency attached by ClinVar (database versions not stated): gnomAD exomes 0.00001 and 0.00002; gnomAD 0.00007.

Submission:

Labcorp Genetics (formerly Invitae), Labcorp
Classification: Uncertain significance for Spondylocostal dysostosis 3, autosomal recessive. Last evaluated: 2023-08-10. Review status: criteria provided, single submitter. Criteria: Invitae Variant Classification Sherloc (09022015). Collection method: clinical testing. Allele origin: germline.
Comment: This sequence change replaces threonine, which is neutral and polar, with methionine, which is neutral and non-polar, at codon 160 of the LFNG protein (p.Thr160Met). In summary, the available evidence is currently insufficient to determine the role of this variant in disease. Therefore, it has been classified as a Variant of Uncertain Significance. An algorithm developed to predict the effect of missense changes on protein structure and function (PolyPhen-2) suggests that this variant is likely to be tolerated. ClinVar contains an entry for this variant (Variation ID: 1517482). This variant has not been reported in the literature in individuals affected with LFNG-related conditions. The frequency data for this variant in the population databases is considered unreliable, as metrics indicate poor data quality at this position in the gnomAD database.

NM_001040167.2(LFNG):c.479C>T (p.Thr160Met)

Gene: LFNG (LFNG O-fucosylpeptide 3-beta-N-acetylglucosaminyltransferase; plus strand). Cytogenetic location: 7p22.3.
Variant type: single nucleotide variant.
Coding change: c.479C>T on transcript NM_001040167.2 (MANE Select); coding-DNA position 479, C replaced by T.
Protein change: p.Thr160Met; replaces threonine 160 with methionine.
Molecular consequence: missense variant.
Genome position (GRCh38, 1-based): chr7:2,524,741, C>T. VCF-style: chr7-2524741-C-T. GRCh37 (hg19) VCF-style: chr7-2564375-C-T.
Other names: c.479C>T, p.Thr160Met (NM_001040168.2); c.266C>T, p.Thr89Met (NM_001166355.2); c.92C>T, p.Thr31Met (NM_002304.3); short protein forms T31M, T89M, T160M.
Identifiers: ClinVar variation 1517482 (VCV001517482.8), dbSNP rs769574441, ClinGen allele CA152649096.